The following is an entry in ClinVar:

ClinVar aggregate classification (germline): Uncertain significance. Review status: criteria provided, multiple submitters, no conflicts (2 of 4 stars). 2 submissions from 2 submitters: Uncertain significance (2). Last evaluated 2024-06-26.

Allele frequency attached by ClinVar (database versions not stated): gnomAD exomes 0.00002; TOPMed 0.00002; gnomAD 0.00003; ExAC 0.00008; 1000 Genomes Project 30x 0.00031; 1000 Genomes Project 0.00040.
gnomAD v4.1: 34 of 1,613,644 alleles (0.0021%); highest among the groups gnomAD compares: East Asian, 0.049%; no homozygotes.

Submissions (2):

Labcorp Genetics (formerly Invitae), Labcorp
Classification: Uncertain significance. Last evaluated: 2024-06-26. Review status: criteria provided, single submitter. Criteria: Invitae Variant Classification Sherloc (09022015). Collection method: clinical testing. Allele origin: germline.
Comment: This sequence change replaces arginine, which is basic and polar, with tryptophan, which is neutral and slightly polar, at codon 1066 of the ZNF687 protein (p.Arg1066Trp). This variant is present in population databases (rs60042414, gnomAD 0.06%), and has an allele count higher than expected for a pathogenic variant. This variant has not been reported in the literature in individuals affected with ZNF687-related conditions. ClinVar contains an entry for this variant (Variation ID: 2376436). An algorithm developed to predict the effect of missense changes on protein structure and function (PolyPhen-2) suggests that this variant is likely to be tolerated. In summary, the available evidence is currently insufficient to determine the role of this variant in disease. Therefore, it has been classified as a Variant of Uncertain Significance.

Ambry Genetics
Classification: Uncertain significance. Last evaluated: 2021-10-12. Review status: criteria provided, single submitter. Criteria: Ambry Variant Classification Scheme 2023. Collection method: clinical testing. Allele origin: germline.

NM_020832.3(ZNF687):c.3196C>T (p.Arg1066Trp)

Gene: ZNF687 (zinc finger protein 687; plus strand). Cytogenetic location: 1q21.3.
Variant type: single nucleotide variant.
Coding change: c.3196C>T on transcript NM_020832.3 (MANE Select); coding-DNA position 3196, C replaced by T.
Protein change: p.Arg1066Trp; replaces arginine 1066 with tryptophan.
Molecular consequence: missense variant.
Genome position (GRCh38, 1-based): chr1:151,290,550, C>T. VCF-style: chr1-151290550-C-T. GRCh37 (hg19) VCF-style: chr1-151263026-C-T.
Other names: c.3196C>T, p.Arg1066Trp (NM_001304763.2, NM_001304764.2); short protein forms R1066W.
Identifiers: ClinVar variation 2376436 (VCV002376436.4), dbSNP rs60042414, ClinGen allele CA1088793.